The following is an entry in ClinVar:

NM_001042492.3(NF1):c.5750C>A (p.Ala1917Asp)

Gene: NF1 (neurofibromin 1; plus strand). Cytogenetic location: 17q11.2.
Variant type: single nucleotide variant.
Coding change: c.5750C>A on transcript NM_001042492.3 (MANE Select); coding-DNA position 5750, C replaced by A.
Protein change: p.Ala1917Asp; replaces alanine 1917 with aspartic acid.
Molecular consequence: missense variant.
Genome position (GRCh38, 1-based): chr17:31,330,436, C>A. VCF-style: chr17-31330436-C-A. GRCh37 (hg19) VCF-style: chr17-29657454-C-A.
Other names: c.5687C>A, p.Ala1896Asp (NM_000267.4); short protein forms A1896D, A1917D.
Identifiers: ClinVar variation 936166 (VCV000936166.9), dbSNP rs2069452996, ClinGen allele CA399010391.
Genomic context (GRCh38, chr17:31,330,436, plus strand): 5'-GTTTATGTATCCCTGCCAACAACACCCTCTTTATTGTCTCTATTAGTAAGACACTGGCAG[C>A]CAATGAGCCACACCTCACGTTAGAATTTTTGGAAGAGTGTATTTCTGGATTTAGCAAATC-3'
Protein context (NP_001035957.1, residues 1907-1927): FIVSISKTLA[Ala1917Asp]NEPHLTLEFL

ClinVar aggregate classification (germline): Uncertain significance. Review status: criteria provided, multiple submitters, no conflicts (2 of 4 stars). 2 submissions from 2 submitters: Uncertain significance (2). Last evaluated 2022-10-11.

Conditions:
Neurofibromatosis, type 1 (NF1). Also called: Peripheral type neurofibromatosis; VON RECKLINGHAUSEN DISEASE; Neurofibromatosis, type I; NEUROFIBROMATOSIS, TYPE I, SOMATIC. Identifiers: Orphanet 636, MedGen C0027831, MONDO:0018975, OMIM 162200. Disease mechanism: loss of function.
Hereditary cancer-predisposing syndrome. Also called: Tumor predisposition; Hereditary neoplastic syndrome; Neoplastic Syndromes, Hereditary; Hereditary Cancer Syndrome. Identifiers: Orphanet 140162, MedGen C0027672, MeSH D009386, MONDO:0015356.
Cardiovascular phenotype. Identifiers: MedGen CN230736.

Submissions (2):

Ambry Genetics
Classification: Uncertain significance for Cardiovascular phenotype; Hereditary cancer-predisposing syndrome. Last evaluated: 2022-10-11. Review status: criteria provided, single submitter. Criteria: Ambry Variant Classification Scheme 2023. Collection method: clinical testing. Allele origin: germline.
Comment: The p.A1896D variant (also known as c.5687C>A), located in coding exon 38 of the NF1 gene, results from a C to A substitution at nucleotide position 5687. The alanine at codon 1896 is replaced by aspartic acid, an amino acid with dissimilar properties. This amino acid position is conserved. In addition, this alteration is predicted to be deleterious by in silico analysis. Since supporting evidence is limited at this time, the clinical significance of this alteration remains unclear.

Labcorp Genetics (formerly Invitae), Labcorp
Classification: Uncertain significance for Neurofibromatosis, type 1. Last evaluated: 2020-07-24. Review status: criteria provided, single submitter. Criteria: Invitae Variant Classification Sherloc (09022015). Collection method: clinical testing. Allele origin: germline.
Comment: In summary, the available evidence is currently insufficient to determine the role of this variant in disease. Therefore, it has been classified as a Variant of Uncertain Significance. Algorithms developed to predict the effect of missense changes on protein structure and function are either unavailable or do not agree on the potential impact of this missense change (SIFT: "Tolerated"; PolyPhen-2: "Probably Damaging"; Align-GVGD: "Class C0"). This variant has not been reported in the literature in individuals with NF1-related conditions. This variant is not present in population databases (ExAC no frequency). This sequence change replaces alanine with aspartic acid at codon 1896 of the NF1 protein (p.Ala1896Asp). The alanine residue is moderately conserved and there is a moderate physicochemical difference between alanine and aspartic acid.